The following is an entry in ClinVar:

ClinVar aggregate classification (germline): Uncertain significance (1 of 4 stars; one submission).

Conditions:
Hereditary cancer-predisposing syndrome. Also called: Neoplastic Syndromes, Hereditary; Tumor predisposition; Hereditary neoplastic syndrome; Hereditary Cancer Syndrome. Identifiers: Orphanet 140162, MedGen C0027672, MeSH D009386, MONDO:0015356.

Submission:

Labcorp Genetics (formerly Invitae), Labcorp
Classification: Uncertain significance for Hereditary cancer-predisposing syndrome. Last evaluated: 2023-06-29. Review status: criteria provided, single submitter. Criteria: Invitae Variant Classification Sherloc (09022015). Collection method: clinical testing. Allele origin: germline.
Comment: This variant has not been reported in the literature in individuals affected with RAD50-related conditions. This variant is not present in population databases (gnomAD no frequency). This sequence change replaces aspartic acid, which is acidic and polar, with glycine, which is neutral and non-polar, at codon 56 of the RAD50 protein (p.Asp56Gly). Advanced modeling of protein sequence and biophysical properties (such as structural, functional, and spatial information, amino acid conservation, physicochemical variation, residue mobility, and thermodynamic stability) has been performed at Invitae for this missense variant, however the output from this modeling did not meet the statistical confidence thresholds required to predict the impact of this variant on RAD50 protein function. In summary, the available evidence is currently insufficient to determine the role of this variant in disease. Therefore, it has been classified as a Variant of Uncertain Significance.

NM_005732.4(RAD50):c.167A>G (p.Asp56Gly)

Gene: RAD50 (RAD50 double strand break repair protein; plus strand). Cytogenetic location: 5q31.1.
Variant type: single nucleotide variant.
Coding change: c.167A>G on transcript NM_005732.4 (MANE Select); coding-DNA position 167, A replaced by G.
Protein change: p.Asp56Gly; replaces aspartic acid 56 with glycine.
Molecular consequence: missense variant.
Genome position (GRCh38, 1-based): chr5:132,559,321, A>G. VCF-style: chr5-132559321-A-G. GRCh37 (hg19) VCF-style: chr5-131895013-A-G.
Other names: short protein forms D56G.
Identifiers: ClinVar variation 2725934 (VCV002725934.3), dbSNP rs748529502, ClinGen allele CA360953431.
Genomic context (GRCh38, chr5:132,559,321, plus strand): 5'-AATGTAATTTTCTATTTCTTTAGACCATCATTGAATGTCTAAAATATATTTGTACTGGAG[A>G]TTTCCCTCCTGGAACCAAAGGAAATACATTTGTACACGATCCCAAGGTAATGGTGCTAGT-3'
Protein context (NP_005723.2, residues 46-66): IECLKYICTG[Asp56Gly]FPPGTKGNTF